The following is an entry in ClinVar:

ClinVar aggregate classification (germline): Uncertain significance. Review status: criteria provided, multiple submitters, no conflicts (2 of 4 stars). 2 submissions from 2 submitters: Uncertain significance (2). Last evaluated 2025-09-26.

Conditions:
RASopathy. Also called: rasopathies; Noonan spectrum disorder. Identifiers: Orphanet 536391, MedGen C5555857, MONDO:0021060.

Allele frequency attached by ClinVar (database versions not stated): ExAC 0.00001; gnomAD 0.00001.
gnomAD v4.1: 3 of 1,614,034 alleles (0.00019%); highest among the groups gnomAD compares: East Asian, 0.0045%; no homozygotes.

Submissions (2):

Mayo Clinic Laboratories, Mayo Clinic
Classification: Uncertain significance. Last evaluated: 2025-09-26. Review status: criteria provided, single submitter. Criteria: ACMG Guidelines, 2015. Collection method: clinical testing. Allele origin: germline. Observed: 1 variant allele.
Comment: PP3, PM1

Labcorp Genetics (formerly Invitae), Labcorp
Classification: Uncertain significance for RASopathy. Last evaluated: 2024-11-18. Review status: criteria provided, single submitter. Criteria: Invitae Variant Classification Sherloc (09022015). Collection method: clinical testing. Allele origin: germline.
Comment: This sequence change replaces glycine, which is neutral and non-polar, with serine, which is neutral and polar, at codon 65 of the MAP2K2 protein (p.Gly65Ser). This variant is present in population databases (rs774875456, gnomAD 0.007%). This missense change has been observed in individual(s) with increased nuchal translucency (PMID: 29907801). ClinVar contains an entry for this variant (Variation ID: 2202271). Invitae Evidence Modeling of protein sequence and biophysical properties (such as structural, functional, and spatial information, amino acid conservation, physicochemical variation, residue mobility, and thermodynamic stability) has been performed for this missense variant. However, the output from this modeling did not meet the statistical confidence thresholds required to predict the impact of this variant on MAP2K2 protein function. In summary, the available evidence is currently insufficient to determine the role of this variant in disease. Therefore, it has been classified as a Variant of Uncertain Significance.

Literature cited by the submitters: PubMed 29907801 (cited by Mayo Clinic Laboratories, Mayo Clinic and Labcorp Genetics (formerly Invitae), Labcorp).

NM_030662.4(MAP2K2):c.193G>A (p.Gly65Ser)

Gene: MAP2K2 (mitogen-activated protein kinase kinase 2; minus strand). Cytogenetic location: 19p13.3.
Variant type: single nucleotide variant.
Coding change: c.193G>A on transcript NM_030662.4 (MANE Select); coding-DNA position 193, G replaced by A.
Protein change: p.Gly65Ser; replaces glycine 65 with serine.
Molecular consequence: missense variant.
Genome position (GRCh38, 1-based): chr19:4,117,529, C>T on the plus strand (G>A on the coding strand, the complement: MAP2K2 is on the minus strand). VCF-style: chr19-4117529-C-T. GRCh37 (hg19) VCF-style: chr19-4117527-C-T.
Other names: p.Gly65Ser; short protein forms G65S.
Identifiers: ClinVar variation 2202271 (VCV002202271.5), dbSNP rs774875456, ClinGen allele CA9091080.
Genomic context (GRCh38, chr19:4,117,529, plus strand): 5'-CCCCGCCGTTGCCCGCGCCCAGCTCTGAGATCCTTTCGAAGTCATCGTCTTTGAGTTCGC[C>T]GACCTTGGCTTTCTGGGTGAGAAAGGCTTCCAGCCGCTTCTTCTGCTGCTCGTCAAGTTC-3'
Protein context (NP_109587.1, residues 55-75): EAFLTQKAKV[Gly65Ser]ELKDDDFERI